The following is an entry in ClinVar:

ClinVar aggregate classification (germline): Uncertain significance (1 of 4 stars; one submission).

Conditions:
Hereditary cancer-predisposing syndrome. Also called: Neoplastic Syndromes, Hereditary; Tumor predisposition; Hereditary Cancer Syndrome; Hereditary neoplastic syndrome. Identifiers: Orphanet 140162, MedGen C0027672, MeSH D009386, MONDO:0015356.

Allele frequency attached by ClinVar (database versions not stated): gnomAD exomes below 0.00001; gnomAD 0.00001; TOPMed 0.00001.
gnomAD v4.1: 3 of 1,613,868 alleles (0.00019%); highest among the groups gnomAD compares: African/African-American, 0.004%; no homozygotes.

Submission:

Ambry Genetics
Classification: Uncertain significance for Hereditary cancer-predisposing syndrome. Last evaluated: 2019-05-16. Review status: criteria provided, single submitter. Criteria: Ambry Variant Classification Scheme 2023. Collection method: clinical testing. Allele origin: germline.
Comment: The p.A564V variant (also known as c.1691C>T), located in coding exon 14 of the MRE11A gene, results from a C to T substitution at nucleotide position 1691. The alanine at codon 564 is replaced by valine, an amino acid with similar properties. This amino acid position is well conserved in available vertebrate species. In addition, this alteration is predicted to be tolerated by in silico analysis. Since supporting evidence is limited at this time, the clinical significance of this alteration remains unclear.

NM_005591.4(MRE11):c.1691C>T (p.Ala564Val)

Gene: MRE11 (MRE11 double strand break repair nuclease; minus strand). Cytogenetic location: 11q21.
Variant type: single nucleotide variant.
Coding change: c.1691C>T on transcript NM_005591.4 (MANE Select); coding-DNA position 1691, C replaced by T.
Protein change: p.Ala564Val; replaces alanine 564 with valine.
Molecular consequence: missense variant.
Genome position (GRCh38, 1-based): chr11:94,447,311, G>A on the plus strand (C>T on the coding strand, the complement: MRE11 is on the minus strand). VCF-style: chr11-94447311-G-A. GRCh37 (hg19) VCF-style: chr11-94180477-G-A.
Other names: c.1691C>T, p.Ala564Val (NM_001330347.2, NM_005590.4); short protein forms A564V.
Identifiers: ClinVar variation 819858 (VCV000819858.4), dbSNP rs1416560770, ClinGen allele CA382368315.
Genomic context (GRCh38, chr11:94,447,311, plus strand): 5'-GAATTCTGCCCTCTTCCACCTCTTCGACCTCTTCCTCGGCCTCTTCCTTTGTTGGTTGCT[G>A]CTGAGATGCTATCATCAGAGTCATTAGCCATCTGTTCTGCTAAATCTATACTCATAAGGT-3'
Protein context (NP_005582.1, residues 554-574): MANDSDDSIS[Ala564Val]ATNKGRGRGR